The following is an entry in ClinVar:

NM_001363711.2(DUOX2):c.2793_2796delinsCAAT (p.Asp932Asn)

Gene: DUOX2 (dual oxidase 2; minus strand). Cytogenetic location: 15q21.1.
Variant type: Indel.
Coding change: c.2793_2796delinsCAAT on transcript NM_001363711.2 (MANE Select); coding-DNA positions 2793 to 2796, TGAC replaced by CAAT.
Protein change: p.Asp932Asn; replaces aspartic acid 932 with asparagine.
Molecular consequence: missense variant.
Genome position (GRCh38, 1-based): chr15:45,101,848-45,101,851, GTCA replaced by ATTG on the plus strand (TGAC replaced by CAAT on the coding strand, the reverse complement: DUOX2 is on the minus strand). VCF-style: chr15-45101848-GTCA-ATTG. GRCh37 (hg19) VCF-style: chr15-45394046-GTCA-ATTG.
Other names: c.2793_2796delinsCAAT, p.Asp932Asn (NM_014080.5); c.2793_2796delTGACinsCAAT (NM_014080.4); short protein forms D932N.
Identifiers: ClinVar variation 423835 (VCV000423835.2), dbSNP rs1064796650, ClinGen allele CA16619934.

ClinVar aggregate classification (germline): Uncertain significance. Review status: criteria provided, multiple submitters, no conflicts (2 of 4 stars). 2 submissions from 2 submitters: Uncertain significance (2). Last evaluated 2022-09-13.

Submissions (2):

Blueprint Genetics
Classification: Uncertain significance. Last evaluated: 2022-09-13. Review status: criteria provided, single submitter. Criteria: ACMG Guidelines, 2015. Collection method: clinical testing. Allele origin: germline.

GeneDx
Classification: Uncertain significance. Last evaluated: 2017-02-21. Review status: criteria provided, single submitter. Criteria: GeneDx Variant Classification (06012015). Collection method: clinical testing. Allele origin: germline. Affected: yes.
Comment: The c.2793_2796delTGACinsCAAT variant in the DUOX2 gene has not been reported previously as a pathogenic variant, nor as a benign variant, to our knowledge. The c.2793_2796delTGACinsCAAT causes an in-frame deletion and insertion of four nucleotides, resulting in a substitution of Asparagine for Aspartic Acid at codon 932, denoted p.Asp932Asn. This substitution results in a semi-conservative amino acid substitution, which may impact secondary protein structure as these residues differ in some properties. However, this substitution occurs at a position that is not conserved, and in silico analysis is inconsistent in its predictions as to whether or not the variant is damaging to the protein structure/function. The c.2793_2796delTGACinsCAAT variant is not observed in large population cohorts (Lek et al., 2016; 1000 Genomes Consortium et al., 2015; Exome Variant Server). We interpret c.2793_2796delTGACinsCAAT as a variant of uncertain significance.